The following is an entry in ClinVar:

ClinVar aggregate classification (germline): Uncertain significance (1 of 4 stars; one submission).

Conditions:
Severe combined immunodeficiency due to DNA-PKcs deficiency. Also called: IMMUNODEFICIENCY 26 WITH NEUROLOGIC ABNORMALITIES; Immunodeficiency 26 with or without neurologic abnormalities. Identifiers: Orphanet 317425, MedGen C4014833, MONDO:0014423, OMIM 615966.

Allele frequency attached by ClinVar (database versions not stated): gnomAD exomes below 0.00001.
gnomAD v4.1: 1 of 1,566,040 alleles (0.000064%); highest among the groups gnomAD compares: Non-Finnish European, 0.000087%; no homozygotes.

Submission:

Labcorp Genetics (formerly Invitae), Labcorp
Classification: Uncertain significance for Severe combined immunodeficiency due to DNA-PKcs deficiency. Last evaluated: 2021-05-25. Review status: criteria provided, single submitter. Criteria: Invitae Variant Classification Sherloc (09022015). Collection method: clinical testing. Allele origin: germline.
Comment: In summary, the available evidence is currently insufficient to determine the role of this variant in disease. Therefore, it has been classified as a Variant of Uncertain Significance. Experimental studies and prediction algorithms are not available or were not evaluated, and the functional significance of this variant is currently unknown. This variant has not been reported in the literature in individuals with PRKDC-related conditions. This variant is not present in population databases (ExAC no frequency). This sequence change replaces isoleucine with valine at codon 1467 of the PRKDC protein (p.Ile1467Val). The isoleucine residue is weakly conserved and there is a small physicochemical difference between isoleucine and valine.

NM_006904.7(PRKDC):c.4399A>G (p.Ile1467Val)

Gene: PRKDC (protein kinase, DNA-activated, catalytic subunit; minus strand). Cytogenetic location: 8q11.21.
Variant type: single nucleotide variant.
Coding change: c.4399A>G on transcript NM_006904.7 (MANE Select); coding-DNA position 4399, A replaced by G.
Protein change: p.Ile1467Val; replaces isoleucine 1467 with valine.
Molecular consequence: missense variant.
Genome position (GRCh38, 1-based): chr8:47,888,532, T>C on the plus strand (A>G on the coding strand, the complement: PRKDC is on the minus strand). VCF-style: chr8-47888532-T-C. GRCh37 (hg19) VCF-style: chr8-48801093-T-C.
Other names: c.4399A>G, p.Ile1467Val (NM_001081640.2); short protein forms I1467V.
Identifiers: ClinVar variation 1397290 (VCV001397290.6), dbSNP rs2089385248, ClinGen allele CA371145428.